The following is an entry in ClinVar:

ClinVar aggregate classification (germline): Uncertain significance. Review status: criteria provided, multiple submitters, no conflicts (2 of 4 stars). 2 submissions from 2 submitters: Uncertain significance (2). Last evaluated 2025-10-02.

Allele frequency attached by ClinVar (database versions not stated): ExAC 0.00012; TOPMed 0.00013; gnomAD exomes 0.00007; gnomAD 0.00012; ESP Exome Variant Server 0.00015.
gnomAD v4.1: 124 of 1,610,770 alleles (0.0077%); highest among the groups gnomAD compares: Middle Eastern, 0.016%; no homozygotes.

Submissions (2):

Labcorp Genetics (formerly Invitae), Labcorp
Classification: Uncertain significance. Last evaluated: 2025-10-02. Review status: criteria provided, single submitter. Criteria: Invitae Variant Classification Sherloc (09022015). Collection method: clinical testing. Allele origin: germline.
Comment: This sequence change replaces lysine, which is basic and polar, with glutamic acid, which is acidic and polar, at codon 368 of the ESR2 protein (p.Lys368Glu). This variant is present in population databases (rs144249047, gnomAD 0.03%). This variant has not been reported in the literature in individuals affected with ESR2-related conditions. ClinVar contains an entry for this variant (Variation ID: 2411256). Invitae Evidence Modeling of protein sequence and biophysical properties (such as structural, functional, and spatial information, amino acid conservation, physicochemical variation, residue mobility, and thermodynamic stability) indicates that this missense variant is not expected to disrupt ESR2 protein function with a negative predictive value of 80%. In summary, the available evidence is currently insufficient to determine the role of this variant in disease. Therefore, it has been classified as a Variant of Uncertain Significance.

Ambry Genetics
Classification: Uncertain significance. Last evaluated: 2024-12-04. Review status: criteria provided, single submitter. Criteria: Ambry Variant Classification Scheme 2023. Collection method: clinical testing. Allele origin: germline.

NM_001437.3(ESR2):c.1102A>G (p.Lys368Glu)

Gene: ESR2 (estrogen receptor 2; minus strand). Cytogenetic location: 14q23.2.
Variant type: single nucleotide variant.
Coding change: c.1102A>G on transcript NM_001437.3 (MANE Select); coding-DNA position 1102, A replaced by G.
Protein change: p.Lys368Glu; replaces lysine 368 with glutamic acid.
Molecular consequence: missense variant. On other transcripts: non-coding transcript variant (2), intron variant (1).
Genome position (GRCh38, 1-based): chr14:64,249,669, T>C on the plus strand (A>G on the coding strand, the complement: ESR2 is on the minus strand). VCF-style: chr14-64249669-T-C. GRCh37 (hg19) VCF-style: chr14-64716387-T-C.
Other names: c.1102A>G, p.Lys368Glu (NM_001040275.1, NM_001214902.1, NM_001271876.1 and 2 more transcripts); c.952+10780A>G (NM_001271877.1); short protein forms K368E.
Identifiers: ClinVar variation 2411256 (VCV002411256.6), dbSNP rs144249047, ClinGen allele CA7225305.